The following is an entry in ClinVar:

ClinVar aggregate classification (germline): Conflicting classifications of pathogenicity. Review status: criteria provided, conflicting classifications (1 of 4 stars). 3 submissions from 3 submitters: Uncertain significance (2); Likely benign (1). Last evaluated 2025-01-21.

Conditions:
Hereditary cancer-predisposing syndrome. Also called: Tumor predisposition; Hereditary neoplastic syndrome; Neoplastic Syndromes, Hereditary; Hereditary Cancer Syndrome. Identifiers: Orphanet 140162, MedGen C0027672, MeSH D009386, MONDO:0015356.
Multiple endocrine neoplasia, type 1 (MEN1). Also called: MEN I; WERMER SYNDROME; MEA I; Endocrine adenomatosis multiple; MEN 1. Identifiers: Orphanet 652, MedGen C0025267, MeSH D018761, MONDO:0007540, OMIM 131100.

Allele frequency attached by ClinVar (database versions not stated): gnomAD exomes below 0.00001 and 0.00001; TOPMed below 0.00001.
gnomAD v4.1: 4 of 1,614,200 alleles (0.00025%); highest among the groups gnomAD compares: Admixed American, 0.0067%; no homozygotes.

Submissions (3):

Labcorp Genetics (formerly Invitae), Labcorp
Classification: Uncertain significance for Multiple endocrine neoplasia, type 1. Last evaluated: 2025-01-21. Review status: criteria provided, single submitter. Criteria: Invitae Variant Classification Sherloc (09022015). Collection method: clinical testing. Allele origin: germline.
Comment: This sequence change replaces alanine, which is neutral and non-polar, with threonine, which is neutral and polar, at codon 380 of the MEN1 protein (p.Ala380Thr). This variant is present in population databases (no rsID available, gnomAD 0.006%). This variant has not been reported in the literature in individuals affected with MEN1-related conditions. ClinVar contains an entry for this variant (Variation ID: 933592). Invitae Evidence Modeling of protein sequence and biophysical properties (such as structural, functional, and spatial information, amino acid conservation, physicochemical variation, residue mobility, and thermodynamic stability) has been performed for this missense variant. However, the output from this modeling did not meet the statistical confidence thresholds required to predict the impact of this variant on MEN1 protein function. In summary, the available evidence is currently insufficient to determine the role of this variant in disease. Therefore, it has been classified as a Variant of Uncertain Significance.

Ambry Genetics
Classification: Likely benign for Hereditary cancer-predisposing syndrome. Last evaluated: 2023-11-01. Review status: criteria provided, single submitter. Criteria: Ambry Variant Classification Scheme 2023. Collection method: clinical testing. Allele origin: germline.

Baylor Genetics
Classification: Uncertain significance for Multiple Endocrine Neoplasia Type 1. Last evaluated: 2023-09-02. Review status: criteria provided, single submitter. Criteria: ACMG Guidelines, 2015. Collection method: clinical testing. Allele origin: unknown.

Literature cited by the submitters: PubMed 31737856 (cited by Ambry Genetics).

NM_001370259.2(MEN1):c.1138G>A (p.Ala380Thr)

Gene: MEN1 (menin 1; minus strand). Cytogenetic location: 11q13.1.
Variant type: single nucleotide variant.
Coding change: c.1138G>A on transcript NM_001370259.2 (MANE Select); coding-DNA position 1138, G replaced by A.
Protein change: p.Ala380Thr; replaces alanine 380 with threonine.
Molecular consequence: missense variant.
Genome position (GRCh38, 1-based): chr11:64,805,682, C>T on the plus strand (G>A on the coding strand, the complement: MEN1 is on the minus strand). VCF-style: chr11-64805682-C-T. GRCh37 (hg19) VCF-style: chr11-64573154-C-T.
Other names: c.1153G>A, p.Ala385Thr (NM_000244.4, NM_130800.3, NM_130801.3 and 3 more transcripts); c.1264G>A, p.Ala422Thr (NM_001370251.2); c.1138G>A, p.Ala380Thr (NM_001370260.2, NM_001370261.2, NM_130799.3); c.1033G>A, p.Ala345Thr (NM_001370262.2, NM_001370263.2); short protein forms A422T, A345T, A380T, A385T.
Identifiers: ClinVar variation 933592 (VCV000933592.10), dbSNP rs1225964479, ClinGen allele CA381182357.